The following is an entry in ClinVar:

NM_000057.4(BLM):c.2769T>A (p.Ser923Arg)

Gene: BLM (BLM RecQ like helicase; plus strand). Cytogenetic location: 15q26.1.
Variant type: single nucleotide variant.
Coding change: c.2769T>A on transcript NM_000057.4 (MANE Select); coding-DNA position 2769, T replaced by A.
Protein change: p.Ser923Arg; replaces serine 923 with arginine.
Molecular consequence: missense variant.
Genome position (GRCh38, 1-based): chr15:90,785,027, T>A. VCF-style: chr15-90785027-T-A. GRCh37 (hg19) VCF-style: chr15-91328257-T-A.
Other names: c.2769T>A, p.Ser923Arg (NM_001287246.2, NM_001287247.2); c.1644T>A, p.Ser548Arg (NM_001287248.2); short protein forms S923R, S548R.
Identifiers: ClinVar variation 3022783 (VCV003022783.3), dbSNP rs1596252204, ClinGen allele CA393846069.

ClinVar aggregate classification (germline): Uncertain significance (1 of 4 stars; one submission).

Conditions:
Bloom syndrome (BLM). Also called: Bloom-Torre-Machacek syndrome. Identifiers: Orphanet 125, MedGen C0005859, MONDO:0008876, OMIM 210900.

Submission:

Labcorp Genetics (formerly Invitae), Labcorp
Classification: Uncertain significance for Bloom syndrome. Last evaluated: 2025-03-18. Review status: criteria provided, single submitter. Criteria: Invitae Variant Classification Sherloc (09022015). Collection method: clinical testing. Allele origin: germline.
Comment: This sequence change replaces serine, which is neutral and polar, with arginine, which is basic and polar, at codon 923 of the BLM protein (p.Ser923Arg). This variant is not present in population databases (gnomAD no frequency). This variant has not been reported in the literature in individuals affected with BLM-related conditions. ClinVar contains an entry for this variant (Variation ID: 3022783). Invitae Evidence Modeling of protein sequence and biophysical properties (such as structural, functional, and spatial information, amino acid conservation, physicochemical variation, residue mobility, and thermodynamic stability) indicates that this missense variant is not expected to disrupt BLM protein function with a negative predictive value of 80%. In summary, the available evidence is currently insufficient to determine the role of this variant in disease. Therefore, it has been classified as a Variant of Uncertain Significance.